The following is an entry in ClinVar:

ClinVar aggregate classification (germline): Uncertain significance. Review status: criteria provided, multiple submitters, no conflicts (2 of 4 stars). 5 submissions from 5 submitters: Uncertain significance (5). Last evaluated 2025-12-03.

Conditions:
Hereditary cancer-predisposing syndrome. Also called: Hereditary Cancer Syndrome; Tumor predisposition; Hereditary neoplastic syndrome; Neoplastic Syndromes, Hereditary. Identifiers: Orphanet 140162, MedGen C0027672, MeSH D009386, MONDO:0015356.
Endometrial carcinoma. Also called: Endometrial carcinoma, somatic. Identifiers: MedGen C0476089, MONDO:0002447, OMIM 608089, HP:0012114.

Allele frequency attached by ClinVar (database versions not stated): gnomAD exomes 0.00002; TOPMed 0.00002.
gnomAD v4.1: 24 of 1,613,106 alleles (0.0015%); highest among the groups gnomAD compares: Non-Finnish European, 0.002%; no homozygotes.

Submissions (5):

Labcorp Genetics (formerly Invitae), Labcorp
Classification: Uncertain significance. Last evaluated: 2025-12-03. Review status: criteria provided, single submitter. Criteria: Invitae Variant Classification Sherloc (09022015). Collection method: clinical testing. Allele origin: germline.
Comment: This sequence change replaces threonine, which is neutral and polar, with asparagine, which is neutral and polar, at codon 363 of the MSH3 protein (p.Thr363Asn). This variant is not present in population databases (gnomAD no frequency). This variant has not been reported in the literature in individuals affected with MSH3-related conditions. ClinVar contains an entry for this variant (Variation ID: 647621). An algorithm developed to predict the effect of missense changes on protein structure and function outputs the following: PolyPhen-2: "Benign". The asparagine amino acid residue is found in multiple mammalian species, which suggests that this missense change does not adversely affect protein function. RNA analysis performed to evaluate the impact of this missense change on mRNA splicing indicates it does not significantly alter splicing (internal data). In summary, the available evidence is currently insufficient to determine the role of this variant in disease. Therefore, it has been classified as a Variant of Uncertain Significance.

Ambry Genetics
Classification: Uncertain significance for Hereditary cancer-predisposing syndrome. Last evaluated: 2024-12-12. Review status: criteria provided, single submitter. Criteria: Ambry Variant Classification Scheme 2023. Collection method: clinical testing. Allele origin: germline.
Comment: The p.T363N variant (also known as c.1088C>A), located in coding exon 7 of the MSH3 gene, results from a C to A substitution at nucleotide position 1088. The threonine at codon 363 is replaced by asparagine, an amino acid with similar properties. This amino acid position is not well conserved in available vertebrate species. In addition, this alteration is predicted to be tolerated by in silico analysis. Based on the available evidence, the clinical significance of this variant remains unclear.

GeneDx
Classification: Uncertain significance. Last evaluated: 2024-03-04. Review status: criteria provided, single submitter. Criteria: GeneDx Variant Classification Process June 2021. Collection method: clinical testing. Allele origin: germline. Affected: yes.
Comment: Not observed at significant frequency in large population cohorts (gnomAD); In silico analysis supports that this missense variant does not alter protein structure/function; Has not been previously published as pathogenic or benign to our knowledge; This variant is associated with the following publications: (PMID: 35625944)

Baylor Genetics
Classification: Uncertain significance for Endometrial carcinoma. Last evaluated: 2023-08-21. Review status: criteria provided, single submitter. Criteria: ACMG Guidelines, 2015. Collection method: clinical testing. Allele origin: unknown.

Sema4
Classification: Uncertain significance for Hereditary cancer-predisposing syndrome. Last evaluated: 2022-02-11. Review status: criteria provided, single submitter. Criteria: Sema4 Curation Guidelines. Collection method: curation. Allele origin: germline.
Comment: The MSH3 c.1088C>A (p.T363N) variant has not been reported in the literature to our knowledge. This variant is not reported in the population database Genome Aggregation Database (PMID: 32461654). This variant has been reported in ClinVar (Variation ID: 647621). Functional studies have not been performed, and in silico predictions of the variant's effect on protein function are inconclusive. The evidence is insufficient to meet ACMG/AMP criteria for classifying the variant as benign or pathogenic. Thus, the clinical significance of this variant is currently uncertain.

NM_002439.5(MSH3):c.1088C>A (p.Thr363Asn)

Gene: MSH3 (mutS homolog 3; plus strand). Cytogenetic location: 5q14.1.
Variant type: single nucleotide variant.
Coding change: c.1088C>A on transcript NM_002439.5 (MANE Select); coding-DNA position 1088, C replaced by A.
Protein change: p.Thr363Asn; replaces threonine 363 with asparagine.
Molecular consequence: missense variant.
Genome position (GRCh38, 1-based): chr5:80,675,043, C>A. VCF-style: chr5-80675043-C-A. GRCh37 (hg19) VCF-style: chr5-79970862-C-A.
Other names: short protein forms T363N.
Identifiers: ClinVar variation 647621 (VCV000647621.15), dbSNP rs562793293, ClinGen allele CA121295147.